The following is an entry in ClinVar:

ClinVar aggregate classification (germline): Benign/Likely benign. Review status: criteria provided, multiple submitters, no conflicts (2 of 4 stars). 2 submissions from 2 submitters: Benign (1); Likely benign (1). Last evaluated 2026-01-14.

Allele frequency attached by ClinVar (database versions not stated): gnomAD exomes 0.00022 and 0.00070; ExAC 0.00091; gnomAD 0.00245 and 0.00255; TOPMed 0.00263; ESP Exome Variant Server 0.00277; 1000 Genomes Project 0.00459; 1000 Genomes Project 30x 0.00468.

Submissions (2):

Labcorp Genetics (formerly Invitae), Labcorp
Classification: Benign. Last evaluated: 2026-01-14. Review status: criteria provided, single submitter. Criteria: Invitae Variant Classification Sherloc (09022015). Collection method: clinical testing. Allele origin: germline.

CeGaT Center for Human Genetics Tuebingen
Classification: Likely benign. Last evaluated: 2025-05-01. Review status: criteria provided, single submitter. Criteria: CeGaT Center For Human Genetics Tuebingen Variant Classification Criteria Version 2. Collection method: clinical testing. Allele origin: germline. Affected: yes. Observed: 1 variant allele.
Comment: VPS13C: BS2

NM_020821.3(VPS13C):c.5636T>G (p.Met1879Arg)

Gene: VPS13C (vacuolar protein sorting 13 homolog C; minus strand). Cytogenetic location: 15q22.2.
Variant type: single nucleotide variant.
Coding change: c.5636T>G on transcript NM_020821.3 (MANE Select); coding-DNA position 5636, T replaced by G.
Protein change: p.Met1879Arg; replaces methionine 1879 with arginine.
Molecular consequence: missense variant.
Genome position (GRCh38, 1-based): chr15:61,936,716, A>C on the plus strand (T>G on the coding strand, the complement: VPS13C is on the minus strand). VCF-style: chr15-61936716-A-C. GRCh37 (hg19) VCF-style: chr15-62228915-A-C.
Other names: c.5636T>G, p.Met1879Arg (NM_001018088.3); c.5507T>G, p.Met1836Arg (NM_017684.5, NM_018080.4); short protein forms M1836R, M1879R.
Identifiers: ClinVar variation 1658153 (VCV001658153.18), dbSNP rs114590764, ClinGen allele CA7595770.